The following is an entry in ClinVar:

ClinVar aggregate classification (germline): Uncertain significance (1 of 4 stars; one submission).

Allele frequency attached by ClinVar (database versions not stated): TOPMed below 0.00001; gnomAD 0.00001 and 0.00002; ExAC 0.00002.
gnomAD v4.1: 6 of 1,613,166 alleles (0.00037%); highest among the groups gnomAD compares: African/African-American, 0.0053%; no homozygotes.

Submission:

Laboratory for Molecular Medicine, Mass General Brigham Personalized Medicine
Classification: Uncertain significance. Last evaluated: 2016-06-21. Review status: criteria provided, single submitter. Criteria: LMM Criteria. Collection method: clinical testing. Allele origin: germline. Observed: 1 variant allele.
Comment: The p.Gly4068Arg variant in GPR98 has not been previously reported in individual s with hearing loss or Usher syndrome, but has been identified in 2/9648 African chromosomes by the Exome Aggregation Consortium (ExAC; dbSNP rs760011091). Computational prediction tools and conservation anal ysis do not provide strong support for or against an impact to the protein. In s ummary, the clinical significance of the p.Gly4068Arg is uncertain.

NM_032119.4(ADGRV1):c.12202G>A (p.Gly4068Arg)

Gene: ADGRV1 (adhesion G protein-coupled receptor V1; plus strand). Cytogenetic location: 5q14.3.
Variant type: single nucleotide variant.
Coding change: c.12202G>A on transcript NM_032119.4 (MANE Select); coding-DNA position 12202, G replaced by A.
Protein change: p.Gly4068Arg; replaces glycine 4068 with arginine.
Molecular consequence: missense variant. On other transcripts: non-coding transcript variant (1).
Genome position (GRCh38, 1-based): chr5:90,763,386, G>A. VCF-style: chr5-90763386-G-A. GRCh37 (hg19) VCF-style: chr5-90059203-G-A.
Other names: short protein forms G4068R.
Identifiers: ClinVar variation 505178 (VCV000505178.4), dbSNP rs760011091, ClinGen allele CA3341174.
Genomic context (GRCh38, chr5:90,763,386, plus strand): 5'-TCATCCGATGACCCTGATTCATATGTGACATTGACGGTTGTCCGGTCCCCAGGAGGAAAA[G>A]GAACCGTCCGACTTGAGTGGACCATAGATGAGAAGGCTAAACATAACCTTAGTCCTTTGA-3'
Protein context (NP_115495.3, residues 4058-4078): LTVVRSPGGK[Gly4068Arg]TVRLEWTIDE